The following is an entry in ClinVar:

NM_006946.4(SPTBN2):c.7001C>T (p.Ser2334Phe)

Gene: SPTBN2 (spectrin beta, non-erythrocytic 2; minus strand). Cytogenetic location: 11q13.2.
Variant type: single nucleotide variant.
Coding change: c.7001C>T on transcript NM_006946.4 (MANE Select); coding-DNA position 7001, C replaced by T.
Protein change: p.Ser2334Phe; replaces serine 2334 with phenylalanine.
Molecular consequence: missense variant.
Genome position (GRCh38, 1-based): chr11:66,686,043, G>A on the plus strand (C>T on the coding strand, the complement: SPTBN2 is on the minus strand). VCF-style: chr11-66686043-G-A. GRCh37 (hg19) VCF-style: chr11-66453514-G-A.
Other names: c.7022C>T, p.Ser2341Phe (NM_001411025.1); short protein forms S2334F, S2341F.
Identifiers: ClinVar variation 2754477 (VCV002754477.3), dbSNP rs752406774, ClinGen allele CA6127665.

ClinVar aggregate classification (germline): Uncertain significance (1 of 4 stars; one submission).

Allele frequency attached by ClinVar (database versions not stated): gnomAD exomes below 0.00001; ExAC 0.00001.

Submission:

Labcorp Genetics (formerly Invitae), Labcorp
Classification: Uncertain significance. Last evaluated: 2023-08-22. Review status: criteria provided, single submitter. Criteria: Invitae Variant Classification Sherloc (09022015). Collection method: clinical testing. Allele origin: germline.
Comment: In summary, the available evidence is currently insufficient to determine the role of this variant in disease. Therefore, it has been classified as a Variant of Uncertain Significance. Advanced modeling of protein sequence and biophysical properties (such as structural, functional, and spatial information, amino acid conservation, physicochemical variation, residue mobility, and thermodynamic stability) performed at Invitae indicates that this missense variant is not expected to disrupt SPTBN2 protein function. This variant has not been reported in the literature in individuals affected with SPTBN2-related conditions. This variant is present in population databases (rs752406774, gnomAD 0.003%). This sequence change replaces serine, which is neutral and polar, with phenylalanine, which is neutral and non-polar, at codon 2334 of the SPTBN2 protein (p.Ser2334Phe).